The following is an entry in ClinVar:

ClinVar aggregate classification (germline): Benign/Likely benign. Review status: criteria provided, multiple submitters, no conflicts (2 of 4 stars). 21 submissions from 20 submitters: Benign (16); Likely benign (1). 4 of the submissions do not count toward it. Last evaluated 2026-02-04.

Conditions:
Hereditary cancer-predisposing syndrome. Also called: Tumor predisposition; Neoplastic Syndromes, Hereditary; Hereditary neoplastic syndrome; Hereditary Cancer Syndrome. Identifiers: Orphanet 140162, MedGen C0027672, MeSH D009386, MONDO:0015356.
Hereditary breast ovarian cancer syndrome. Also called: Hereditary breast and ovarian cancer syndrome; Hereditary breast and ovarian cancer syndrome (HBOC); Hereditary breast and ovarian cancer; Breast and ovarian cancer; BRCA1- and BRCA2-Associated Hereditary Breast and Ovarian Cancer; Hereditary breast and/or ovarian cancer syndrome. Identifiers: Orphanet 145, MedGen C0677776, MeSH D061325, MONDO:0003582. Disease mechanism: loss of function.
Acute lymphoid leukemia (ALL). Also called: Acute lymphoblastic leukemia; Acute lymphocytic leukemia; Leukemia, acute lymphoblastic, somatic; Lymphoblastic leukemia. Identifiers: Orphanet 513, MedGen C0023449, MONDO:0004967, OMIM 613065, HP:0006721.
Microcephaly, normal intelligence and immunodeficiency (NBS). Also called: SEEMANOVA SYNDROME II; Nijmegen breakage syndrome; Microcephaly with normal intelligence immunodeficiency and lymphoreticular malignancies; Nonsyndromal microcephaly autosomal recessive with normal intelligence; Seemanova syndrome 2; BERLIN BREAKAGE SYNDROME. Identifiers: Orphanet 647, MedGen C0398791, MONDO:0009623, OMIM 251260.

Allele frequency attached by ClinVar (database versions not stated): gnomAD exomes 0.39736 and 0.46522; ExAC 0.46759; ESP Exome Variant Server 0.49031; gnomAD 0.51063 and 0.51086; TOPMed 0.52598; 1000 Genomes Project 0.60863; 1000 Genomes Project 30x 0.60868.
gnomAD v4.1: 659,535 of 1,612,850 alleles (41%); highest among the groups gnomAD compares: African/African-American, 78%; 145,187 homozygotes.

Submissions (21):

Labcorp Genetics (formerly Invitae), Labcorp
Classification: Benign for Microcephaly, normal intelligence and immunodeficiency. Last evaluated: 2026-02-04. Review status: criteria provided, single submitter. Criteria: Invitae Variant Classification Sherloc (09022015). Collection method: clinical testing. Allele origin: germline.

ARUP Laboratories, Molecular Genetics and Genomics, ARUP Laboratories
Classification: Benign. Last evaluated: 2025-07-30. Review status: criteria provided, single submitter. Criteria: ARUP Molecular Germline Variant Investigation Process 2024. Collection method: clinical testing. Allele origin: germline.

GeneKor MSA
Classification: Benign for Hereditary cancer-predisposing syndrome. Last evaluated: 2025-07-10. Review status: criteria provided, single submitter. Criteria: ACMG Guidelines, 2015. Collection method: clinical testing. Allele origin: germline.

KCCC/NGS Laboratory, Kuwait Cancer Control Center
Classification: Benign for Microcephaly, normal intelligence and immunodeficiency. Last evaluated: 2025-02-01. Review status: criteria provided, single submitter. Criteria: ACMG Guidelines, 2015. Collection method: clinical testing. Allele origin: germline. Affected: no.

Blueprint Genetics
Classification: Likely benign. Last evaluated: 2024-11-27. Review status: criteria provided, single submitter. Criteria: ACMG Guidelines, 2015. Collection method: clinical testing. Allele origin: germline.

Unidad de Genómica Garrahan, Hospital de Pediatría Garrahan
Classification: Benign. Last evaluated: 2024-01-24. Review status: criteria provided, single submitter. Criteria: ACMG Guidelines, 2015. Collection method: clinical testing. Allele origin: germline. Affected: no. Observed: 74 variant alleles.
Comment: This variant is classified as Benign based on local population frequency. This variant was detected in 78% of patients studied by a panel of primary immunodeficiencies. Number of patients: 74. Only high quality variants are reported.

KCCC/NGS Laboratory, Kuwait Cancer Control Center
Classification: Benign for Acute lymphoid leukemia. Last evaluated: 2023-07-07. Review status: criteria provided, single submitter. Criteria: ACMG Guidelines, 2015. Collection method: clinical testing. Allele origin: germline. Affected: yes.

Mayo Clinic Laboratories, Mayo Clinic
Classification: Benign. Last evaluated: 2022-09-06. Review status: criteria provided, single submitter. Criteria: ACMG Guidelines, 2015. Collection method: clinical testing. Allele origin: germline. Observed: 695 variant alleles.

National Health Laboratory Service, Universitas Academic Hospital and University of the Free State
Classification: Benign for Hereditary breast ovarian cancer syndrome. Last evaluated: 2022-04-19. Review status: criteria provided, single submitter. Criteria: ACMG Guidelines, 2015. Collection method: clinical testing. Allele origin: germline. Affected: yes. Observed: 253 variant alleles.

Genome-Nilou Lab
Classification: Benign for Microcephaly, normal intelligence and immunodeficiency. Last evaluated: 2021-07-01. Review status: criteria provided, single submitter. Criteria: ACMG Guidelines, 2015. Collection method: clinical testing. Allele origin: germline. Affected: no.

Illumina Laboratory Services, Illumina
Classification: Benign for Microcephaly, normal intelligence and immunodeficiency. Last evaluated: 2018-01-12. Review status: criteria provided, single submitter. Criteria: ICSL Variant Classification Criteria 13 December 2019. Collection method: clinical testing. Allele origin: germline.
Comment: This variant was observed in the ICSL laboratory as part of a predisposition screen in an ostensibly healthy population. It had not been previously curated by ICSL or reported in the Human Gene Mutation Database (HGMD: prior to June 1st, 2018), and was therefore a candidate for classification through an automated scoring system. Utilizing variant allele frequency, disease prevalence and penetrance estimates, and inheritance mode, an automated score was calculated to assess if this variant is too frequent to cause the disease. Based on the score and internal cut-off values, a variant classified as benign is not then subjected to further curation. The score for this variant resulted in a classification of benign for this disease.

Laboratory for Molecular Medicine, Mass General Brigham Personalized Medicine
Classification: Benign. Last evaluated: 2016-03-28. Review status: criteria provided, single submitter. Criteria: LMM Criteria. Collection method: clinical testing. Allele origin: germline.
Comment: Variant identified in a genome or exome case(s) and assessed due to predicted null impact of the variant or pathogenic assertions in the literature or databases. Disclaimer: This variant has not undergone full assessment. The following are preliminary notes: Frequency

GeneDx
Classification: Benign. Last evaluated: 2015-03-03. Review status: criteria provided, single submitter. Criteria: GeneDx Variant Classification Process June 2021. Collection method: clinical testing. Allele origin: germline. Affected: yes.

Ambry Genetics
Classification: Benign for Hereditary cancer-predisposing syndrome. Last evaluated: 2014-11-02. Review status: criteria provided, single submitter. Criteria: Ambry Variant Classification Scheme 2023. Collection method: clinical testing. Allele origin: germline.

Eurofins Ntd Llc (ga)
Classification: Benign. Last evaluated: 2014-07-16. Review status: criteria provided, single submitter. Criteria: EGL Classification Definitions 2015. Collection method: clinical testing. Allele origin: germline. Observed: 2 variant alleles, 2 homozygotes.

Breakthrough Genomics
Classification: Benign. Review status: criteria provided, single submitter. Criteria: ACMG Guidelines, 2015. Collection method: not provided. Allele origin: germline. Inheritance: Autosomal recessive inheritance. Affected: yes.

PreventionGenetics, part of Exact Sciences
Classification: Benign. Review status: criteria provided, single submitter. Criteria: ACMG Guidelines, 2015. Collection method: clinical testing. Allele origin: germline.

Natera, Inc.
Classification: Benign for Nijmegen breakage syndrome. Last evaluated: 2020-09-16. Review status: no assertion criteria provided. Collection method: clinical testing. Allele origin: germline. Not counted in ClinVar's aggregate classification.

Clinical Genetics DNA and cytogenetics Diagnostics Lab, Erasmus MC, Erasmus Medical Center
Classification: Benign. Review status: no assertion criteria provided. Collection method: clinical testing. Allele origin: germline. Affected: yes. Study: VKGL Data-share Consensus. Not counted in ClinVar's aggregate classification.

Diagnostic Laboratory, Department of Genetics, University Medical Center Groningen
Classification: Benign. Review status: no assertion criteria provided. Collection method: clinical testing. Allele origin: germline. Affected: yes. Study: VKGL Data-share Consensus. Not counted in ClinVar's aggregate classification.

Joint Genome Diagnostic Labs from Nijmegen and Maastricht, Radboudumc and MUMC+
Classification: Benign. Review status: no assertion criteria provided. Collection method: clinical testing. Allele origin: germline. Affected: yes. Study: VKGL Data-share Consensus. Not counted in ClinVar's aggregate classification.

NM_002485.5(NBN):c.1197T>C (p.Asp399=)

Gene: NBN (nibrin; minus strand). Cytogenetic location: 8q21.3.
Variant type: single nucleotide variant.
Coding change: c.1197T>C on transcript NM_002485.5 (MANE Select); coding-DNA position 1197, T replaced by C.
Protein change: p.Asp399=; no amino-acid change (aspartic acid 399 retained).
Molecular consequence: synonymous variant.
Genome position (GRCh38, 1-based): chr8:89,955,483, A>G on the plus strand (T>C on the coding strand, the complement: NBN is on the minus strand). VCF-style: chr8-89955483-A-G. GRCh37 (hg19) VCF-style: chr8-90967711-A-G.
Other names: NP_002476.2:p.Asp399=; p.Asp399=; c.951T>C, p.Asp317= (NM_001024688.3).
Identifiers: ClinVar variation 183701 (VCV000183701.60), dbSNP rs709816, ClinGen allele CA186171.
Genomic context (GRCh38, chr8:89,955,483, plus strand): 5'-ATTTGATACCATACTATTATTATTAGAGCTTGTTTTGCAGGACTCCTTTACAGTGGGTGC[A>G]TCTTGTGAAAGCATTCTGAATTTTTGTTCCATTTTGGAGACTTTGATTTCTTTTGGCCTT-3'
Protein context (NP_002476.2, residues 389-409): MEQKFRMLSQ[Asp399=]APTVKESCKT